The following is an entry in ClinVar:

ClinVar aggregate classification (germline): Pathogenic. Review status: reviewed by expert panel (3 of 4 stars). 10 submissions from 10 submitters: Pathogenic (1). 9 of the submissions do not count toward it. Last evaluated 2024-12-06.

Conditions:
Mucopolysaccharidosis type 1. Also called: IDUA deficiency; MPS I; Mucopolysaccharidosis Type I. Identifiers: Orphanet 579, MedGen C0023786, MONDO:0001586.
IDUA-related disorders.
Hurler syndrome. Also called: Severe MPS I (Hurler Syndrome); Gargoylism, Hurler Syndrome; MUCOPOLYSACCHARIDOSIS TYPE IH. Identifiers: Orphanet 93473, MedGen C0086795, MONDO:0011758, OMIM 607014.
Mucopolysaccharidosis, MPS-I-S. Also called: Scheie Syndrome; MUCOPOLYSACCHARIDOSIS TYPE IS; MPS V; MUCOPOLYSACCHARIDOSIS TYPE V. Identifiers: Orphanet 93474, MedGen C0026708, MONDO:0011760, OMIM 607016.
Mucopolysaccharidosis, MPS-I-H/S. Also called: Mucopolysaccharidosis type IH/S. Identifiers: Orphanet 93476, MedGen C0086431, MONDO:0011759, OMIM 607015.

Allele frequency attached by ClinVar (database versions not stated): gnomAD exomes below 0.00001 and 0.00004; ExAC 0.00001; TOPMed 0.00001.
gnomAD v4.1: 50 of 1,601,952 alleles (0.0031%); highest among the groups gnomAD compares: Non-Finnish European, 0.0042%; no homozygotes.

Submissions (10):

ClinGen Lysosomal Storage Disorder Variant Curation Expert Panel
Classification: Pathogenic for Mucopolysaccharidosis type 1. Last evaluated: 2024-12-06. Review status: reviewed by expert panel. Criteria: ClinGen LSD ACMG Specifications IDUA V1.0.0. Collection method: curation. Allele origin: germline. Inheritance: Autosomal recessive inheritance.
Comment: The NM_000203.5: c.590-7G>A variant in IDUA occurs within the splice acceptor site motif of intron 5. RT-PCR analysis revealed skipping of biologically-relevant-exon 6/14, or, rarely, intron 5 inclusion, resulting mainly in splicing at nt -28 of intron 5, and also a very small amount of normal IDUA mRNA (PMID: 8213840; 9748610) (PVS1_Strong (RNA)). This variant is also reported as IDUA:c. 678-7 G>A in older literature (PMID: 8213840). This variant has been detected in at least 10 individuals with MPS I, all compound heterozygous for the variant and another variant in IDUA that has been classified as pathogenic for MPS I by the ClinGen LD VCEP, all phase unconfirmed, including c.208C>T (p.Gln70Ter) (PMID: 28752568, ClinVar Variation ID: 11909, 0.5 points), c.1205G>A (p.Trp402Ter) (PMID: 28752568, CinVar Variation ID: 11908, 7 patients, max 2 x 0.5 points), and (c.1029C>G (p.Tyr343Ter) (C;inVar Variation ID: 550474, clinical lab, 0.5 points) (PM3_Strong). Total 2 points (PM3_Strong). At least 1 patient with this variant had documented IDUA deficiency within the affected range in leukocytes, a significant reduction in urine GAGs upon treatment with enzyme replacement therapy, and clinical features specific to MPS I including arthropathy, corneal involvement, and valvular thickening. (PP4_Moderate). The highest population minor allele frequency in gnomAD v4.1.0 is 0.00004241 (50/1178952 alleles) in the European (non-Finnish) population, which is lower than the ClinGen Lysosomal Diseases VCEP’s threshold for PM2_Supporting (<0.00025), meeting this criterion (PM2_Supporting). There is a ClinVar entry for this variant (Variation ID: 222996). In summary, this variant meets the criteria to be classified as pathogenic for MPS I based on the IDUA-specific ACMG/AMP criteria applied, as specified by the ClinGen Lysosomal Diseases Variant Curation Expert Panel (Specifications Version 1.0.0): PVS1_strong, PM3_strong, PP4_moderate, PM2_supporting. (Classification approved by the ClinGen Lysosomal Diseases Variant Curation Expert Panel on December 6, 2024)

Genetics Laboratory, Great Ormond Street Hospital NHS Foundation Trust, North Thames Genomic Laboratory Hub
Classification: Pathogenic for Mucopolysaccharidosis type IH/S. Last evaluated: 2025-10-27. Review status: criteria provided, single submitter. Criteria: ACGS Best Practice Guidelines for Variant Classification in Rare Disease 2024 v1.2. Collection method: clinical testing. Allele origin: germline. Affected: yes. Not counted in ClinVar's aggregate classification.
Comment: PM2_moderate, PP3_supporting, PM3_strong, PP4_strong

Natera, Inc.
Classification: Pathogenic for Mucopolysaccharidosis type I. Last evaluated: 2025-09-02. Review status: criteria provided, single submitter. Criteria: Natera Variant Classification Schema (03/2026). Collection method: clinical testing. Allele origin: germline. Not counted in ClinVar's aggregate classification.
Comment: The c.590-7G>A variant in IDUA is an intronic variant located outside the canonical splice sites. This variant is rare in the general population with a frequency below the threshold expected for the associated phenotype(s). This variant has been observed in one or more individuals affected with the associated recessive disease, as either homozygous or compound heterozygous with a second variant (PMID: 8318992, 20974778, 31590383). Given the available evidence, this variant is classified as Pathogenic.

Labcorp Genetics (formerly Invitae), Labcorp
Classification: Pathogenic for Mucopolysaccharidosis type 1. Last evaluated: 2024-08-20. Review status: criteria provided, single submitter. Criteria: Invitae Variant Classification Sherloc (09022015). Collection method: clinical testing. Allele origin: germline. Not counted in ClinVar's aggregate classification.
Comment: This sequence change falls in intron 5 of the IDUA gene. It does not directly change the encoded amino acid sequence of the IDUA protein. RNA analysis indicates that this variant induces altered splicing and may result in an absent or altered protein product. The frequency data for this variant in the population databases is considered unreliable, as metrics indicate poor data quality at this position in the gnomAD database. This variant has been observed in individuals with Scheie syndrome (PMID: 8213840, 28752568). This variant is also known as 678-7G>A. ClinVar contains an entry for this variant (Variation ID: 222996). Studies have shown that this variant results in activation of a cryptic splice acceptor, and produces a non-functional protein and/or introduces a premature termination codon (PMID: 8318992). For these reasons, this variant has been classified as Pathogenic.

Revvity Omics, Revvity
Classification: Pathogenic. Last evaluated: 2023-06-19. Review status: criteria provided, single submitter. Criteria: ACMG Guidelines, 2015. Collection method: clinical testing. Allele origin: germline. Not counted in ClinVar's aggregate classification.

Broad Center for Mendelian Genomics, Broad Institute of MIT and Harvard
Classification: Pathogenic for Mucopolysaccharidosis type 1. Last evaluated: 2020-01-14. Review status: criteria provided, single submitter. Criteria: ACMG Guidelines, 2015. Collection method: curation. Allele origin: germline. Inheritance: Autosomal recessive inheritance. Not counted in ClinVar's aggregate classification.
Comment: The c.590-7G>A variant in IDUA has been reported in at least 10 individuals with mucopolysaccharidosis (MPS) (PMID: 28752568, 8213840, 9748610) and has been identified in 0.001% (1/106874) of European (non-Finnish) chromosomes by the Genome Aggregation Database (gnomAD; dbSNP rs762411583). Although this variant has been seen in the general population, its frequency is low enough to be consistent with a recessive carrier frequency. This variant has also been reported in ClinVar (VariationID: 222996) as pathogenic by Counsyl, OMIM, and GeneReviews. Functional studies demonstrating that the variant activates a cryptic splice site provide some evidence that the c.590-7G>A variant may slightly impact protein function (PMID: 8213840). However, these types of assays may not accurately represent biological function. Computational prediction tools and conservation analyses do not provide strong support for or against an impact to the protein. This variant is located in the 3' splice region. Computational tools suggest a possible impact to splicing. However, this information is not predictive enough to determine pathogenicity. The phenotype of individuals compound heterozygous for this variant is high' ly specific for MPS based on their Alpha-L-iduronidase protein levels being <1% consistent with disease (PMID: 9748610, 8213840). In summary, this variant meets criteria to be classified as pathogenic for MPS in an autosomal recessive manner based on the presence of the variant in combination with reported pathogenic variants, the phenotype of patients with the variant being highly specific for MPS, and evidence of aberrant splicing. ACMG/AMP Criteria applied: PM3_very-strong, PM2, PP4, PS3_supporting (Richards 2015).

Blueprint Genetics
Classification: Pathogenic for IDUA-related disorders. Last evaluated: 2018-09-02. Review status: criteria provided, single submitter. Criteria: ACMG Guidelines, 2015. Collection method: clinical testing. Allele origin: germline. Affected: yes. Observed: 1 variant allele. Not counted in ClinVar's aggregate classification.

Counsyl
Classification: Pathogenic for Hurler syndrome. Last evaluated: 2017-08-30. Review status: no assertion criteria provided. Collection method: clinical testing. Allele origin: unknown. Not counted in ClinVar's aggregate classification.

OMIM
Classification: Pathogenic for SCHEIE SYNDROME. Last evaluated: 1993-11-01. Review status: no assertion criteria provided. Collection method: literature only. Allele origin: germline. Not counted in ClinVar's aggregate classification.

GeneReviews
No classification provided. Condition: Mucopolysaccharidosis type 1. Review status: no classification provided. Collection method: literature only. Allele origin: germline. Not counted in ClinVar's aggregate classification.
Comment: Variant causes attenuated MPS I; creates alternate splice site, but (as old splice site is not obliterated) some normal enzyme is produced.

Literature cited by the submitters: PubMed 8318992 (cited by 4 submitters); PubMed 20974778 (cited by Natera, Inc.); PubMed 31590383 (cited by Natera, Inc.); PubMed 8213840 (cited by 3 submitters); PubMed 28752568 (cited by 3 submitters); PubMed 11735025 (cited by Counsyl); PubMed 10215409 (cited by Counsyl); PubMed 8019563 (cited by Counsyl); PubMed 1550122 (cited by Counsyl and OMIM); PubMed 11903343 (cited by Counsyl); PubMed 10607946 (cited by Counsyl); PubMed 9748610 (cited by Counsyl); PubMed 4221470 (cited by OMIM); PubMed 1301196 (cited by OMIM); PubMed 2522450 (cited by OMIM); PubMed 2170400 (cited by OMIM); PubMed 4112371 (cited by OMIM); Neufeld, E. F., Muenzer, J. The mucopolysaccharidoses. In: Scriver, C. R., Beaudet, A. L., Sly, W. S., Valle, D. (eds.) The Metabolic & Molecular Bases of Inherited Disease. Vol. II. (8th ed.) New York: McGraw-Hill (pub.) 2001. (cited by OMIM); NCBI Bookshelf NBK1162 (cited by GeneReviews).

NM_000203.5(IDUA):c.590-7G>A

Gene: IDUA (alpha-L-iduronidase; plus strand). Cytogenetic location: 4p16.3.
Variant type: single nucleotide variant.
Coding change: c.590-7G>A on transcript NM_000203.5 (MANE Select); 7 bases into the intron before coding-DNA position 590, G replaced by A.
Molecular consequence: intron variant.
Genome position (GRCh38, 1-based): chr4:1,001,672, G>A. VCF-style: chr4-1001672-G-A. GRCh37 (hg19) VCF-style: chr4-995460-G-A.
Other names: IVS5AS, G-A, -7; c.194-7G>A (NM_001363576.1).
Identifiers: ClinVar variation 222996 (VCV000222996.23), dbSNP rs762411583, ClinGen allele CA356990.